The following is an entry in ClinVar:

NM_000512.5(GALNS):c.529A>C (p.Asn177His)

Gene: GALNS (galactosamine (N-acetyl)-6-sulfatase; minus strand). Cytogenetic location: 16q24.3.
Variant type: single nucleotide variant.
Coding change: c.529A>C on transcript NM_000512.5 (MANE Select); coding-DNA position 529, A replaced by C.
Protein change: p.Asn177His; replaces asparagine 177 with histidine.
Molecular consequence: missense variant. On other transcripts: 5 prime UTR variant (1).
Genome position (GRCh38, 1-based): chr16:88,837,659, T>G on the plus strand (A>C on the coding strand, the complement: GALNS is on the minus strand). VCF-style: chr16-88837659-T-G. GRCh37 (hg19) VCF-style: chr16-88904067-T-G.
Other names: c.-27A>C (NM_001323543.2); c.547A>C, p.Asn183His (NM_001323544.2); short protein forms N177H, N183H.
Identifiers: ClinVar variation 1048284 (VCV001048284.3), dbSNP rs2143002349, ClinGen allele CA397082757.

ClinVar aggregate classification (germline): Uncertain significance (1 of 4 stars; one submission).

Conditions:
Mucopolysaccharidosis, MPS-IV-A (MPS4A). Also called: Mucopolysaccharidosis type IV A; Mucopolysaccharidosis Type IVA; Morquio syndrome A, mild; MORQUIO SYNDROME A; MPS IVA; mucopolysaccharidosis type 4A. Identifiers: Orphanet 309297, Orphanet 582, MedGen C0086651, MONDO:0009659, OMIM 253000.

Submission:

Laboratory of Diagnosis and Therapy of Lysosomal Disorders, University of Padova
Classification: Uncertain significance for Mucopolysaccharidosis, MPS-IV-A. Last evaluated: 2021-02-01. Review status: criteria provided, single submitter. Criteria: ACMG Guidelines, 2015. Collection method: research. Allele origin: germline. Affected: yes.
Comment: In vivo functional studies supportive of a damaging effect on the gene product (low to null enzymatic activity in homozygotes; PS3_supporting); absent from gnomAD v2.1.1 (PM2_moderate); multiple lines of computational evidence support a deleterious effect on the gene (PP3_supporting)

Literature cited by the submitters: PubMed 34387910.